The following is an entry in ClinVar:

ClinVar aggregate classification (germline): Uncertain significance (1 of 4 stars; one submission).

Allele frequency attached by ClinVar (database versions not stated): TOPMed below 0.00001; gnomAD 0.00002; gnomAD exomes 0.00004; ExAC 0.00007; 1000 Genomes Project 30x 0.00016; 1000 Genomes Project 0.00020.
gnomAD v4.1: 26 of 1,613,690 alleles (0.0016%); highest among the groups gnomAD compares: East Asian, 0.058%; no homozygotes.

Submission:

Labcorp Genetics (formerly Invitae), Labcorp
Classification: Uncertain significance. Last evaluated: 2022-06-03. Review status: criteria provided, single submitter. Criteria: Invitae Variant Classification Sherloc (09022015). Collection method: clinical testing. Allele origin: germline.
Comment: In summary, the available evidence is currently insufficient to determine the role of this variant in disease. Therefore, it has been classified as a Variant of Uncertain Significance. Algorithms developed to predict the effect of missense changes on protein structure and function output the following: SIFT: "Deleterious"; PolyPhen-2: "Benign"; Align-GVGD: "Class C0". The arginine amino acid residue is found in multiple mammalian species, which suggests that this missense change does not adversely affect protein function. ClinVar contains an entry for this variant (Variation ID: 1511038). This variant has not been reported in the literature in individuals affected with SLC24A1-related conditions. This variant is present in population databases (rs189424576, gnomAD 0.05%). This sequence change replaces serine, which is neutral and polar, with arginine, which is basic and polar, at codon 353 of the SLC24A1 protein (p.Ser353Arg).

NM_004727.3(SLC24A1):c.1059T>G (p.Ser353Arg)

Gene: SLC24A1 (solute carrier family 24 member 1; plus strand). Cytogenetic location: 15q22.31.
Variant type: single nucleotide variant.
Coding change: c.1059T>G on transcript NM_004727.3 (MANE Select); coding-DNA position 1059, T replaced by G.
Protein change: p.Ser353Arg; replaces serine 353 with arginine.
Molecular consequence: missense variant.
Genome position (GRCh38, 1-based): chr15:65,625,139, T>G. VCF-style: chr15-65625139-T-G. GRCh37 (hg19) VCF-style: chr15-65917477-T-G.
Other names: c.1059T>G, p.Ser353Arg (NM_001301031.1, NM_001301032.1, NM_001301033.2); short protein forms S353R.
Identifiers: ClinVar variation 1511038 (VCV001511038.8), dbSNP rs189424576, ClinGen allele CA7619839.